The following is an entry in ClinVar:

ClinVar aggregate classification (germline): Conflicting classifications of pathogenicity. Review status: criteria provided, conflicting classifications (1 of 4 stars). 4 submissions from 4 submitters: Uncertain significance (3); Likely benign (1). Last evaluated 2024-09-29.

Conditions:
Arrhythmogenic cardiomyopathy with wooly hair and keratoderma. Also called: Carvajal syndrome; Arrhythmogenic cardiomyopathy with woolly hair and keratoderma; PALMOPLANTAR KERATODERMA WITH LEFT VENTRICULAR CARDIOMYOPATHY AND WOOLLY HAIR; Dilated cardiomyopathy with woolly hair and keratoderma. Identifiers: Orphanet 65282, MedGen C1854063, MONDO:0011581, OMIM 605676.
Arrhythmogenic right ventricular dysplasia 8 (ARVD8). Also called: ARRHYTHMOGENIC RIGHT VENTRICULAR DYSPLASIA, FAMILIAL, 8; Arrhythmogenic Right Ventricular Dysplasia/Cardiomyopathy 8; ARRHYTHMOGENIC RIGHT VENTRICULAR CARDIOMYOPATHY 8. Identifiers: MedGen C1843896, MONDO:0011831, OMIM 607450.
Cardiomyopathy (CMYO). Also called: Cardiomyopathies. Identifiers: Orphanet 167848, MedGen C0878544, MONDO:0004994, HP:0001638. Inheritance: Various modes of inheritance.

Allele frequency attached by ClinVar (database versions not stated): gnomAD exomes below 0.00001; TOPMed below 0.00001; gnomAD 0.00001.
gnomAD v4.1: 3 of 1,613,816 alleles (0.00019%); highest among the groups gnomAD compares: African/African-American, 0.0013%; no homozygotes.

Submissions (4):

Women's Health and Genetics/Laboratory Corporation of America, LabCorp
Classification: Uncertain significance. Last evaluated: 2024-09-29. Review status: criteria provided, single submitter. Criteria: LabCorp Variant Classification Summary - May 2015. Collection method: clinical testing. Allele origin: germline.

Labcorp Genetics (formerly Invitae), Labcorp
Classification: Likely benign for Arrhythmogenic cardiomyopathy with wooly hair and keratoderma; Arrhythmogenic right ventricular dysplasia 8. Last evaluated: 2024-08-27. Review status: criteria provided, single submitter. Criteria: Invitae Variant Classification Sherloc (09022015). Collection method: clinical testing. Allele origin: germline.

All of Us Research Program, National Institutes of Health
Classification: Uncertain significance for Arrhythmogenic cardiomyopathy with wooly hair and keratoderma. Last evaluated: 2023-12-18. Review status: criteria provided, single submitter. Criteria: ACMG Guidelines, 2015. Collection method: clinical testing. Allele origin: germline. Inheritance: Autosomal dominant inheritance. Observed: 1 variant allele, 1 heterozygote.
Comment: This missense variant replaces methionine with valine at codon 351 of the DSP protein. Computational prediction suggests that this variant may have deleterious impact on protein structure and function (internally defined REVEL score threshold >= 0.7, PMID: 27666373). To our knowledge, functional studies have not been reported for this variant. This variant has not been reported in individuals affected with cardiovascular disorders in the literature. This variant has been identified in 2/282574 chromosomes in the general population by the Genome Aggregation Database (gnomAD). The available evidence is insufficient to determine the role of this variant in disease conclusively. Therefore, this variant is classified as a Variant of Uncertain Significance.

This study involves interpretation of variants in research participants for the purpose of population health screening. Participant phenotype was not available at the time of variant classification. Additional details can be found in publication PMID: 35346344, PMCID: PMC8962531

Color Diagnostics, LLC DBA Color Health
Classification: Uncertain significance for Cardiomyopathy. Last evaluated: 2023-11-27. Review status: criteria provided, single submitter. Criteria: ACMG Guidelines, 2015. Collection method: clinical testing. Allele origin: germline.
Comment: This missense variant replaces methionine with valine at codon 351 of the DSP protein. Computational prediction suggests that this variant may have deleterious impact on protein structure and function. To our knowledge, functional studies have not been reported for this variant. This variant has not been reported in individuals affected with cardiovascular disorders in the literature. This variant has been identified in 2/282574 chromosomes in the general population by the Genome Aggregation Database (gnomAD). The available evidence is insufficient to determine the role of this variant in disease conclusively. Therefore, this variant is classified as a Variant of Uncertain Significance.

NM_004415.4(DSP):c.1051A>G (p.Met351Val)

Gene: DSP (desmoplakin; plus strand). Cytogenetic location: 6p24.3.
Variant type: single nucleotide variant.
Coding change: c.1051A>G on transcript NM_004415.4 (MANE Select); coding-DNA position 1051, A replaced by G.
Protein change: p.Met351Val; replaces methionine 351 with valine.
Molecular consequence: missense variant.
Genome position (GRCh38, 1-based): chr6:7,567,360, A>G. VCF-style: chr6-7567360-A-G. GRCh37 (hg19) VCF-style: chr6-7567593-A-G.
Other names: c.1051A>G, p.Met351Val (NM_001008844.3, NM_001319034.2); short protein forms M351V.
Identifiers: ClinVar variation 1502756 (VCV001502756.9), dbSNP rs1372435657, ClinGen allele CA362675463.